The following is an entry in ClinVar:

ClinVar aggregate classification (germline): Uncertain significance. Review status: criteria provided, multiple submitters, no conflicts (2 of 4 stars). 2 submissions from 2 submitters: Uncertain significance (2). Last evaluated 2023-11-28.

Conditions:
Inborn genetic diseases. Identifiers: MedGen C0950123, MeSH D030342.

gnomAD v4.1: 2 of 1,614,012 alleles (0.00012%); highest among the groups gnomAD compares: Admixed American, 0.0033%; no homozygotes.

Submissions (2):

Ambry Genetics
Classification: Uncertain significance for Inborn genetic diseases. Last evaluated: 2023-11-28. Review status: criteria provided, single submitter. Criteria: Ambry Variant Classification Scheme 2023. Collection method: clinical testing. Allele origin: germline.

Labcorp Genetics (formerly Invitae), Labcorp
Classification: Uncertain significance. Last evaluated: 2022-02-28. Review status: criteria provided, single submitter. Criteria: Invitae Variant Classification Sherloc (09022015). Collection method: clinical testing. Allele origin: germline.
Comment: This sequence change replaces isoleucine, which is neutral and non-polar, with methionine, which is neutral and non-polar, at codon 41 of the FOXRED1 protein (p.Ile41Met). This variant is not present in population databases (gnomAD no frequency). This variant has not been reported in the literature in individuals affected with FOXRED1-related conditions. Advanced modeling of protein sequence and biophysical properties (such as structural, functional, and spatial information, amino acid conservation, physicochemical variation, residue mobility, and thermodynamic stability) performed at Invitae indicates that this missense variant is not expected to disrupt FOXRED1 protein function. In summary, the available evidence is currently insufficient to determine the role of this variant in disease. Therefore, it has been classified as a Variant of Uncertain Significance.

NM_017547.4(FOXRED1):c.123C>G (p.Ile41Met)

Gene: FOXRED1 (FAD dependent oxidoreductase domain containing 1; plus strand). Cytogenetic location: 11q24.2.
Variant type: single nucleotide variant.
Coding change: c.123C>G on transcript NM_017547.4 (MANE Select); coding-DNA position 123, C replaced by G.
Protein change: p.Ile41Met; replaces isoleucine 41 with methionine.
Molecular consequence: missense variant. On other transcripts: non-coding transcript variant (1).
Genome position (GRCh38, 1-based): chr11:126,271,474, C>G. VCF-style: chr11-126271474-C-G. GRCh37 (hg19) VCF-style: chr11-126141369-C-G.
Other names: c.123C>G (NM_017547.3); short protein forms I41M.
Identifiers: ClinVar variation 1952759 (VCV001952759.6), dbSNP rs550072006, ClinGen allele CA6353982.